The following is an entry in ClinVar:

ClinVar aggregate classification (germline): Uncertain significance (1 of 4 stars; one submission).

Conditions:
Hereditary cancer-predisposing syndrome. Also called: Hereditary neoplastic syndrome; Neoplastic Syndromes, Hereditary; Tumor predisposition; Hereditary Cancer Syndrome. Identifiers: Orphanet 140162, MedGen C0027672, MeSH D009386, MONDO:0015356.

Submission:

Ambry Genetics
Classification: Uncertain significance for Hereditary cancer-predisposing syndrome. Last evaluated: 2022-03-31. Review status: criteria provided, single submitter. Criteria: Ambry Variant Classification Scheme 2023. Collection method: clinical testing. Allele origin: germline.
Comment: The p.G2342V variant (also known as c.7025G>T), located in coding exon 47 of the ATM gene, results from a G to T substitution at nucleotide position 7025. The glycine at codon 2342 is replaced by valine, an amino acid with dissimilar properties. This amino acid position is conserved. In addition, this alteration is predicted to be deleterious by in silico analysis. Since supporting evidence is limited at this time, the clinical significance of this alteration remains unclear.

NM_000051.4(ATM):c.7025G>T (p.Gly2342Val)

Genes: ATM (ATM serine/threonine kinase; plus strand), C11orf65 (chromosome 11 open reading frame 65; minus strand). Cytogenetic location: 11q22.3.
Variant type: single nucleotide variant.
Coding change: c.7025G>T on transcript NM_000051.4 (MANE Select); coding-DNA position 7025, G replaced by T.
Protein change: p.Gly2342Val; replaces glycine 2342 with valine.
Molecular consequence: missense variant. On other transcripts: intron variant (2).
Genome position (GRCh38, 1-based): chr11:108,327,694, G>T. VCF-style: chr11-108327694-G-T. GRCh37 (hg19) VCF-style: chr11-108198421-G-T.
Other names: c.7025G>T, p.Gly2342Val (NM_001351834.2); c.641-18623C>A (NM_001330368.2); c.*38+7526C>A (NM_001351110.2); short protein forms G2342V.
Identifiers: ClinVar variation 1756742 (VCV001756742.2), dbSNP rs2136375879, ClinGen allele CA382558810.